The following is an entry in ClinVar:

ClinVar aggregate classification (germline): Uncertain significance (1 of 4 stars; one submission).

Conditions:
Hereditary sensory and autonomic neuropathy type 6. Also called: HSAN VI; Neuropathy, hereditary sensory and autonomic, type VI. Identifiers: Orphanet 314381, MedGen C3539003, MONDO:0013839, OMIM 614653.
Epidermolysis bullosa simplex 3, localized or generalized intermediate, with BP230 deficiency (EBS3). Also called: Epidermolysis bullosa simplex, autosomal recessive 2; Epidermolysis bullosa simplex due to BP230 deficiency. Identifiers: Orphanet 412181, MedGen C3809470, MONDO:0014180, OMIM 615425.

Allele frequency attached by ClinVar (database versions not stated): TOPMed 0.00001.

Submission:

Labcorp Genetics (formerly Invitae), Labcorp
Classification: Uncertain significance for Epidermolysis bullosa simplex 3, localized or generalized intermediate, with BP230 deficiency; Hereditary sensory and autonomic neuropathy type 6. Last evaluated: 2022-03-13. Review status: criteria provided, single submitter. Criteria: Invitae Variant Classification Sherloc (09022015). Collection method: clinical testing. Allele origin: germline.
Comment: In summary, the available evidence is currently insufficient to determine the role of this variant in disease. Therefore, it has been classified as a Variant of Uncertain Significance. Experimental studies and prediction algorithms are not available or were not evaluated, and the effect of this variant on mRNA splicing is currently unknown. This variant has not been reported in the literature in individuals affected with DST-related conditions. This variant is not present in population databases (gnomAD no frequency). This sequence change affects codon 3604 of the DST mRNA. It is a 'silent' change, meaning that it does not change the encoded amino acid sequence of the DST protein. The DST gene has multiple clinically relevant transcripts. This variant occurs in alternate transcript NM_015548.4, and corresponds to NM_001723.5:c.*104221A>G in the primary transcript.

NM_001374736.1(DST):c.18681A>G (p.Gln6227=)

Gene: DST (dystonin; minus strand). Cytogenetic location: 6p12.1.
Variant type: single nucleotide variant.
Coding change: c.18681A>G on transcript NM_001374736.1 (MANE Select); coding-DNA position 18681, A replaced by G.
Protein change: p.Gln6227=; no amino-acid change (glutamine 6227 retained).
Molecular consequence: synonymous variant.
Genome position (GRCh38, 1-based): chr6:56,511,296, T>C on the plus strand (A>G on the coding strand, the complement: DST is on the minus strand). VCF-style: chr6-56511296-T-C. GRCh37 (hg19) VCF-style: chr6-56376094-T-C.
Other names: c.12324A>G, p.Gln4108= (NM_001144769.5); c.11910A>G, p.Gln3970= (NM_001144770.2); c.18681A>G, p.Gln6227= (NM_001374722.1); c.17721A>G, p.Gln5907= (NM_001374729.1); c.11463A>G, p.Gln3821= (NM_001374730.1); c.18708A>G, p.Gln6236= (NM_001374734.1); c.11790A>G, p.Gln3930= (NM_001386100.1, NM_183380.4); c.10812A>G, p.Gln3604= (NM_015548.5).
Identifiers: ClinVar variation 2092508 (VCV002092508.4), dbSNP rs2096470509, ClinGen allele CA450480897.